The following is an entry in ClinVar:

NM_004817.4(TJP2):c.2367A>G (p.Ala789=)

Gene: TJP2 (tight junction protein 2; plus strand). Cytogenetic location: 9q21.11.
Variant type: single nucleotide variant.
Coding change: c.2367A>G on transcript NM_004817.4 (MANE Select); coding-DNA position 2367, A replaced by G.
Protein change: p.Ala789=; no amino-acid change (alanine 789 retained).
Molecular consequence: synonymous variant.
Genome position (GRCh38, 1-based): chr9:69,239,948, A>G. VCF-style: chr9-69239948-A-G. GRCh37 (hg19) VCF-style: chr9-71854864-A-G.
Other names: p.Ala789=; c.2298A>G, p.Ala766= (NM_001170414.2, NM_001369871.1); c.2379A>G, p.Ala793= (NM_001170415.1, NM_001369874.1, NM_001369875.1); c.2460A>G, p.Ala820= (NM_001170416.2); c.2292A>G, p.Ala764= (NM_001369870.1); c.2367A>G, p.Ala789= (NM_001369872.1, NM_001369873.1, NM_201629.3).
Identifiers: ClinVar variation 165415 (VCV000165415.19), dbSNP rs75668442, ClinGen allele CA178177.

ClinVar aggregate classification (germline): Benign. Review status: criteria provided, multiple submitters, no conflicts (2 of 4 stars). 6 submissions from 6 submitters: Benign (6). Last evaluated 2026-01-28.

Allele frequency attached by ClinVar (database versions not stated): 1000 Genomes Project 0.01118; gnomAD 0.01119 and 0.01213; TOPMed 0.01196; 1000 Genomes Project 30x 0.01234; ESP Exome Variant Server 0.01353.
gnomAD v4.1: 3,211 of 1,614,080 alleles (0.2%); highest among the groups gnomAD compares: African/African-American, 3.9%; 54 homozygotes.

Submissions (6):

Labcorp Genetics (formerly Invitae), Labcorp
Classification: Benign. Last evaluated: 2026-01-28. Review status: criteria provided, single submitter. Criteria: Invitae Variant Classification Sherloc (09022015). Collection method: clinical testing. Allele origin: germline.

Mayo Clinic Laboratories, Mayo Clinic
Classification: Benign. Last evaluated: 2024-11-07. Review status: criteria provided, single submitter. Criteria: ACMG Guidelines, 2015. Collection method: clinical testing. Allele origin: germline. Observed: 8 variant alleles.
Comment: BA1, BS2

GeneDx
Classification: Benign. Last evaluated: 2018-07-19. Review status: criteria provided, single submitter. Criteria: GeneDx Variant Classification Process June 2021. Collection method: clinical testing. Allele origin: germline. Affected: yes.

Laboratory for Molecular Medicine, Mass General Brigham Personalized Medicine
Classification: Benign. Last evaluated: 2012-05-07. Review status: criteria provided, single submitter. Criteria: LMM Criteria. Collection method: clinical testing. Allele origin: germline. Observed: 4 variant alleles.
Comment: "Ala766Ala in Exon 18 of TJP2: This variant is not expected to have clinical sig nificance because it does not alter an amino acid residue, is not located within the splice consensus sequence, and has been identified in 4.2% (156/3738) of Af rican American chromosomes from a broad population by the NHLBI Exome Sequencing Project (dbSNP rs75668442)."

Breakthrough Genomics
Classification: Benign. Review status: criteria provided, single submitter. Criteria: ACMG Guidelines, 2015. Collection method: not provided. Allele origin: germline. Inheritance: Autosomal recessive inheritance. Affected: yes.

PreventionGenetics, part of Exact Sciences
Classification: Benign. Review status: criteria provided, single submitter. Criteria: ACMG Guidelines, 2015. Collection method: clinical testing. Allele origin: germline.